The following is an entry in ClinVar:

NM_173653.4(SLC9A9):c.1380G>T (p.Met460Ile)

Gene: SLC9A9 (solute carrier family 9 member A9; minus strand). Cytogenetic location: 3q24.
Variant type: single nucleotide variant.
Coding change: c.1380G>T on transcript NM_173653.4 (MANE Select); coding-DNA position 1380, G replaced by T.
Protein change: p.Met460Ile; replaces methionine 460 with isoleucine.
Molecular consequence: missense variant.
Genome position (GRCh38, 1-based): chr3:143,467,126, C>A on the plus strand (G>T on the coding strand, the complement: SLC9A9 is on the minus strand). VCF-style: chr3-143467126-C-A. GRCh37 (hg19) VCF-style: chr3-143185968-C-A.
Other names: p.Met460Ile; short protein forms M460I.
Identifiers: ClinVar variation 2579121 (VCV002579121.2), dbSNP rs761372851, ClinGen allele CA354874190.

ClinVar aggregate classification (germline): Uncertain significance (1 of 4 stars; one submission).

Conditions:
Autism, susceptibility to, 16. Also called: AUTISM WITH OR WITHOUT SEIZURES; Autism susceptibility 16. Identifiers: MedGen C3150677, MONDO:0013258, OMIM 613410.

Allele frequency attached by ClinVar (database versions not stated): TOPMed below 0.00001; gnomAD 0.00001.
gnomAD v4.1: 9 of 1,614,060 alleles (0.00056%); highest among the groups gnomAD compares: South Asian, 0.0011%; no homozygotes.

Submission:

Foundation for Research in Genetics and Endocrinology, FRIGE's Institute of Human Genetics
Classification: Uncertain significance for Autism, susceptibility to, 16. Last evaluated: 2023-09-08. Review status: criteria provided, single submitter. Criteria: ACMG Guidelines, 2015. Collection method: clinical testing. Allele origin: germline. Affected: yes.
Comment: A heterozygous missense variant in exon 12 of the SLC9A9 gene that results in the amino acid substitution of Isoleucine for Methionine at codon 460 (p.Met460Ile) was detected. The p.Met460Ile variant has not been reported in the 1000 genomes and gnomdAD (v2) databases and has a minor allele frequency of 0.0006%, 0.0003% in the gnomAD (v3.1) and topmed databases. The in-silico predictions of the variant are probably damaging by PolyPhen-2 (HumDiv) and damaging by LRT. The reference codon is conserved across species. In summary, the variant meets our criteria to be classified as variant of uncertain significance.